The following is an entry in ClinVar:

NM_001614.5(ACTG1):c.318C>T (p.Thr106=)

Gene: ACTG1 (actin gamma 1; minus strand). Cytogenetic location: 17q25.3.
Variant type: single nucleotide variant.
Coding change: c.318C>T on transcript NM_001614.5 (MANE Select); coding-DNA position 318, C replaced by T.
Protein change: p.Thr106=; no amino-acid change (threonine 106 retained).
Molecular consequence: synonymous variant. On other transcripts: non-coding transcript variant (1).
Genome position (GRCh38, 1-based): chr17:81,511,948, G>A on the plus strand (C>T on the coding strand, the complement: ACTG1 is on the minus strand). VCF-style: chr17-81511948-G-A. GRCh37 (hg19) VCF-style: chr17-79478974-G-A.
Other names: c.318C>T, p.Thr106= (NM_001199954.3).
Identifiers: ClinVar variation 706959 (VCV000706959.23), dbSNP rs372370199, ClinGen allele CA8836282.

ClinVar aggregate classification (germline): Likely benign. Review status: criteria provided, multiple submitters, no conflicts (2 of 4 stars). 3 submissions from 3 submitters: Likely benign (2). 1 of the submissions does not count toward it. Last evaluated 2025-08-29.

Conditions:
Baraitser-winter syndrome 2. Identifiers: Orphanet 2995, MedGen C3281235, MONDO:0013812, OMIM 614583.
Autosomal dominant nonsyndromic hearing loss 20. Identifiers: Orphanet 90635, MedGen C1858172, MONDO:0011480, OMIM 604717.
ACTG1-related disorder. Also called: ACTG1-related disorders; ACTG1-related condition.

Allele frequency attached by ClinVar (database versions not stated): TOPMed 0.00001; gnomAD 0.00006; 1000 Genomes Project 0.00040; 1000 Genomes Project 30x 0.00047.
gnomAD v4.1: 66 of 1,614,072 alleles (0.0041%); highest among the groups gnomAD compares: South Asian, 0.055%; 1 homozygote.

Submissions (3):

Labcorp Genetics (formerly Invitae), Labcorp
Classification: Likely benign for Baraitser-winter syndrome 2; Autosomal dominant nonsyndromic hearing loss 20. Last evaluated: 2025-08-29. Review status: criteria provided, single submitter. Criteria: Invitae Variant Classification Sherloc (09022015). Collection method: clinical testing. Allele origin: germline.

CeGaT Center for Human Genetics Tuebingen
Classification: Likely benign. Last evaluated: 2024-12-01. Review status: criteria provided, single submitter. Criteria: CeGaT Center For Human Genetics Tuebingen Variant Classification Criteria Version 2. Collection method: clinical testing. Allele origin: germline. Affected: yes. Observed: 1 variant allele.
Comment: ACTG1: BP4, BP7

PreventionGenetics, part of Exact Sciences
Classification: Likely benign for ACTG1-related condition. Last evaluated: 2020-07-02. Review status: no assertion criteria provided. Collection method: clinical testing. Allele origin: germline. Not counted in ClinVar's aggregate classification.
Comment: This variant is classified as likely benign based on ACMG/AMP sequence variant interpretation guidelines (Richards et al. 2015 PMID: 25741868, with internal and published modifications).